The following is an entry in ClinVar:

NM_006922.4(SCN3A):c.448C>T (p.Pro150Ser)

Gene: SCN3A (sodium voltage-gated channel alpha subunit 3; minus strand). Cytogenetic location: 2q24.3.
Variant type: single nucleotide variant.
Coding change: c.448C>T on transcript NM_006922.4 (MANE Select); coding-DNA position 448, C replaced by T.
Protein change: p.Pro150Ser; replaces proline 150 with serine.
Molecular consequence: missense variant.
Genome position (GRCh38, 1-based): chr2:165,168,761, G>A on the plus strand (C>T on the coding strand, the complement: SCN3A is on the minus strand). VCF-style: chr2-165168761-G-A. GRCh37 (hg19) VCF-style: chr2-166025271-G-A.
Other names: c.448C>T, p.Pro150Ser (NM_001081676.2, NM_001081677.2); c.448C>T (NM_006922.3); short protein forms P150S.
Identifiers: ClinVar variation 1429936 (VCV001429936.9), dbSNP rs1689932221, ClinGen allele CA349240237.

ClinVar aggregate classification (germline): Uncertain significance. Review status: criteria provided, multiple submitters, no conflicts (2 of 4 stars). 2 submissions from 2 submitters: Uncertain significance (2). Last evaluated 2025-06-07.

Allele frequency attached by ClinVar (database versions not stated): gnomAD exomes below 0.00001; TOPMed below 0.00001.

Submissions (2):

GeneDx
Classification: Uncertain significance. Last evaluated: 2025-06-07. Review status: criteria provided, single submitter. Criteria: GeneDx Variant Classification Process June 2021. Collection method: clinical testing. Allele origin: germline. Affected: yes.
Comment: Not observed at significant frequency in large population cohorts (gnomAD); In silico analysis supports that this missense variant has a deleterious effect on protein structure/function; Has not been previously published as pathogenic or benign to our knowledge

Labcorp Genetics (formerly Invitae), Labcorp
Classification: Uncertain significance. Last evaluated: 2022-07-02. Review status: criteria provided, single submitter. Criteria: Invitae Variant Classification Sherloc (09022015). Collection method: clinical testing. Allele origin: germline.
Comment: In summary, the available evidence is currently insufficient to determine the role of this variant in disease. Therefore, it has been classified as a Variant of Uncertain Significance. Algorithms developed to predict the effect of missense changes on protein structure and function are either unavailable or do not agree on the potential impact of this missense change (SIFT: "Deleterious"; PolyPhen-2: "Probably Damaging"; Align-GVGD: "Class C0"). ClinVar contains an entry for this variant (Variation ID: 1429936). This variant has not been reported in the literature in individuals affected with SCN3A-related conditions. This variant is not present in population databases (gnomAD no frequency). This sequence change replaces proline, which is neutral and non-polar, with serine, which is neutral and polar, at codon 150 of the SCN3A protein (p.Pro150Ser).